The following is an entry in ClinVar:

ClinVar aggregate classification (germline): Uncertain significance. Review status: criteria provided, multiple submitters, no conflicts (2 of 4 stars). 2 submissions from 2 submitters: Uncertain significance (2). Last evaluated 2024-11-18.

Conditions:
Progressive microcephaly-seizures-cortical blindness-developmental delay syndrome. Also called: Seizures, cortical blindness, and microcephaly syndrome. Identifiers: Orphanet 477814, MedGen C5567650, MONDO:0014714, OMIM 616632.
Autosomal dominant nonsyndromic hearing loss 1. Also called: DEAFNESS, AUTOSOMAL DOMINANT 1, WITH OR WITHOUT THROMBOCYTOPENIA; KONIGSMARK SYNDROME. Identifiers: Orphanet 90635, MedGen C1852282, MONDO:0007424, OMIM 124900.
Inborn genetic diseases. Identifiers: MedGen C0950123, MeSH D030342.

Submissions (2):

Labcorp Genetics (formerly Invitae), Labcorp
Classification: Uncertain significance for Progressive microcephaly-seizures-cortical blindness-developmental delay syndrome; Autosomal dominant nonsyndromic hearing loss 1. Last evaluated: 2024-11-18. Review status: criteria provided, single submitter. Criteria: Invitae Variant Classification Sherloc (09022015). Collection method: clinical testing. Allele origin: germline.
Comment: This sequence change replaces asparagine, which is neutral and polar, with aspartic acid, which is acidic and polar, at codon 783 of the DIAPH1 protein (p.Asn783Asp). This variant is present in population databases (no rsID available, gnomAD 0.003%). This variant has not been reported in the literature in individuals affected with DIAPH1-related conditions. ClinVar contains an entry for this variant (Variation ID: 1400178). An algorithm developed to predict the effect of missense changes on protein structure and function (PolyPhen-2) suggests that this variant is likely to be disruptive. In summary, the available evidence is currently insufficient to determine the role of this variant in disease. Therefore, it has been classified as a Variant of Uncertain Significance.

Ambry Genetics
Classification: Uncertain significance for Inborn genetic diseases. Last evaluated: 2024-05-20. Review status: criteria provided, single submitter. Criteria: Ambry Variant Classification Scheme 2023. Collection method: clinical testing. Allele origin: germline.

NM_005219.5(DIAPH1):c.2347A>G (p.Asn783Asp)

Gene: DIAPH1 (diaphanous related formin 1; minus strand). Cytogenetic location: 5q31.3.
Variant type: single nucleotide variant.
Coding change: c.2347A>G on transcript NM_005219.5 (MANE Select); coding-DNA position 2347, A replaced by G.
Protein change: p.Asn783Asp; replaces asparagine 783 with aspartic acid.
Molecular consequence: missense variant.
Genome position (GRCh38, 1-based): chr5:141,573,503, T>C on the plus strand (A>G on the coding strand, the complement: DIAPH1 is on the minus strand). VCF-style: chr5-141573503-T-C. GRCh37 (hg19) VCF-style: chr5-140953070-T-C.
Other names: c.2320A>G, p.Asn774Asp (NM_001079812.3); c.2347A>G, p.Asn783Asp (NM_001314007.2); c.2347A>G (NM_005219.4); short protein forms N774D, N783D.
Identifiers: ClinVar variation 1400178 (VCV001400178.7), dbSNP rs778373397, ClinGen allele CA128433449.